The following is an entry in ClinVar:

NM_017433.5(MYO3A):c.2387T>G (p.Phe796Cys)

Gene: MYO3A (myosin IIIA; plus strand). Cytogenetic location: 10p12.1.
Variant type: single nucleotide variant.
Coding change: c.2387T>G on transcript NM_017433.5 (MANE Select); coding-DNA position 2387, T replaced by G.
Protein change: p.Phe796Cys; replaces phenylalanine 796 with cysteine.
Molecular consequence: missense variant.
Genome position (GRCh38, 1-based): chr10:26,143,572, T>G. VCF-style: chr10-26143572-T-G. GRCh37 (hg19) VCF-style: chr10-26432501-T-G.
Other names: short protein forms F796C.
Identifiers: ClinVar variation 5018120 (VCV005018120.2).
Genomic context (GRCh38, chr10:26,143,572, plus strand): 5'-TAGATATGTTTCTGCAAAAGCCAATGGGTTTACTTTCCCTACTTGATGAAGAAAGTAGAT[T>G]TCCCAAGGCCACTGACCAGACTCTTGTAGGTGAGTTTTCAGTCCAGTGTGTCTGCATGGT-3'
Protein context (NP_059129.3, residues 786-806): LLSLLDEESR[Phe796Cys]PKATDQTLVE

ClinVar aggregate classification (germline): Uncertain significance. Review status: criteria provided, multiple submitters, no conflicts (2 of 4 stars). 2 submissions from 2 submitters: Uncertain significance (2). Last evaluated 2026-08-05.

Conditions:
Inborn genetic diseases. Identifiers: MedGen C0950123, MeSH D030342.

gnomAD v4.1: 8 of 1,613,966 alleles (0.0005%); highest among the groups gnomAD compares: Non-Finnish European, 0.00068%; no homozygotes.

Submissions (2):

Ambry Genetics
Classification: Uncertain significance for Inborn genetic diseases. Last evaluated: 2026-08-05. Review status: criteria provided, single submitter. Criteria: Ambry Variant Classification Scheme 2023. Collection method: clinical testing. Allele origin: germline.

GeneDx
Classification: Uncertain significance. Last evaluated: 2026-04-06. Review status: criteria provided, single submitter. Criteria: GeneDx Variant Classification Process June 2021. Collection method: clinical testing. Allele origin: germline.
Comment: Not observed at significant frequency in large population cohorts (gnomAD); In silico analysis supports that this missense variant has a deleterious effect on protein structure/function; Has not been previously published as pathogenic or benign to our knowledge